The following is an entry in ClinVar:

NM_001365999.1(SZT2):c.8839C>T (p.Arg2947Trp)

Gene: SZT2 (SZT2 subunit of KICSTOR complex; plus strand). Cytogenetic location: 1p34.2.
Variant type: single nucleotide variant.
Coding change: c.8839C>T on transcript NM_001365999.1 (MANE Select); coding-DNA position 8839, C replaced by T.
Protein change: p.Arg2947Trp; replaces arginine 2947 with tryptophan.
Molecular consequence: missense variant.
Genome position (GRCh38, 1-based): chr1:43,445,907, C>T. VCF-style: chr1-43445907-C-T. GRCh37 (hg19) VCF-style: chr1-43911578-C-T.
Other names: c.8668C>T, p.Arg2890Trp (NM_015284.4); c.280C>T, p.Arg94Trp (NM_024547.1); short protein forms R2947W, R94W, R2890W.
Identifiers: ClinVar variation 1976045 (VCV001976045.5), dbSNP rs1419616158, ClinGen allele CA340041119.

ClinVar aggregate classification (germline): Uncertain significance (1 of 4 stars; one submission).

Allele frequency attached by ClinVar (database versions not stated): gnomAD 0.00001; gnomAD exomes 0.00001; TOPMed 0.00001.
gnomAD v4.1: 11 of 1,614,102 alleles (0.00068%); highest among the groups gnomAD compares: South Asian, 0.0022%; no homozygotes.

Submission:

Labcorp Genetics (formerly Invitae), Labcorp
Classification: Uncertain significance. Last evaluated: 2025-01-06. Review status: criteria provided, single submitter. Criteria: Invitae Variant Classification Sherloc (09022015). Collection method: clinical testing. Allele origin: germline.
Comment: This sequence change replaces arginine, which is basic and polar, with tryptophan, which is neutral and slightly polar, at codon 2890 of the SZT2 protein (p.Arg2890Trp). This variant is present in population databases (no rsID available, gnomAD 0.003%). This variant has not been reported in the literature in individuals affected with SZT2-related conditions. ClinVar contains an entry for this variant (Variation ID: 1976045). Invitae Evidence Modeling of protein sequence and biophysical properties (such as structural, functional, and spatial information, amino acid conservation, physicochemical variation, residue mobility, and thermodynamic stability) has been performed for this missense variant. However, the output from this modeling did not meet the statistical confidence thresholds required to predict the impact of this variant on SZT2 protein function. In summary, the available evidence is currently insufficient to determine the role of this variant in disease. Therefore, it has been classified as a Variant of Uncertain Significance.